The following is an entry in ClinVar:

NM_003803.4(MYOM1):c.1502-3C>T

Gene: MYOM1 (myomesin 1; minus strand). Cytogenetic location: 18p11.31.
Variant type: single nucleotide variant.
Coding change: c.1502-3C>T on transcript NM_003803.4 (MANE Select); 3 bases into the intron before coding-DNA position 1502, C replaced by T.
Molecular consequence: intron variant.
Genome position (GRCh38, 1-based): chr18:3,155,091, G>A on the plus strand (C>T on the coding strand, the complement: MYOM1 is on the minus strand). VCF-style: chr18-3155091-G-A. GRCh37 (hg19) VCF-style: chr18-3155089-G-A.
Other names: c.1502-3C>T (NM_019856.2).
Identifiers: ClinVar variation 1424897 (VCV001424897.6), dbSNP rs1173337647, ClinGen allele CA628064844.
Genomic context (GRCh38, chr18:3,155,091, plus strand): 5'-TCCAAGCACTTCACATCCAAGGGAGCAGCTGGGGCTCCTTCAATCTCTGCATCAGCATCT[G>A]TGGAGACAGAGAAGGATCCCATTAACCCTCTCAGACATGCTGTCAGTCGGCAGGCAGGTC-3'

ClinVar aggregate classification (germline): Uncertain significance (1 of 4 stars; one submission).

Conditions:
Hypertrophic cardiomyopathy. Also called: HYPERTROPHIC MYOCARDIOPATHY. Identifiers: Orphanet 217569, MedGen C0007194, MeSH D002312, MONDO:0005045, HP:0001639.

Allele frequency attached by ClinVar (database versions not stated): gnomAD exomes below 0.00001.
gnomAD v4.1: 1 of 1,609,060 alleles (0.000062%); highest among the groups gnomAD compares: East Asian, 0.0022%; no homozygotes.

Submission:

Labcorp Genetics (formerly Invitae), Labcorp
Classification: Uncertain significance for Hypertrophic cardiomyopathy. Last evaluated: 2021-02-22. Review status: criteria provided, single submitter. Criteria: Invitae Variant Classification Sherloc (09022015). Collection method: clinical testing. Allele origin: germline.
Comment: This sequence change falls in intron 10 of the MYOM1 gene. It does not directly change the encoded amino acid sequence of the MYOM1 protein. It affects a nucleotide within the consensus splice site of the intron. This variant is not present in population databases (ExAC no frequency). This variant has not been reported in the literature in individuals with MYOM1-related conditions. Nucleotide substitutions within the consensus splice site are a relatively common cause of aberrant splicing (PMID: 17576681, 9536098). Algorithms developed to predict the effect of sequence changes on RNA splicing suggest that this variant is not likely to affect RNA splicing, but this prediction has not been confirmed by published transcriptional studies. In summary, the available evidence is currently insufficient to determine the role of this variant in disease. Therefore, it has been classified as a Variant of Uncertain Significance.

Literature cited by the submitters: PubMed 17576681; PubMed 9536098.